The following is an entry in ClinVar:

NM_016203.4(PRKAG2):c.9C>A (p.Ser3Arg)

Gene: PRKAG2 (protein kinase AMP-activated non-catalytic subunit gamma 2; minus strand). Cytogenetic location: 7q36.1.
Variant type: single nucleotide variant.
Coding change: c.9C>A on transcript NM_016203.4 (MANE Select); coding-DNA position 9, C replaced by A.
Protein change: p.Ser3Arg; replaces serine 3 with arginine.
Molecular consequence: missense variant.
Genome position (GRCh38, 1-based): chr7:151,876,612, G>T on the plus strand (C>A on the coding strand, the complement: PRKAG2 is on the minus strand). VCF-style: chr7-151876612-G-T. GRCh37 (hg19) VCF-style: chr7-151573697-G-T.
Other names: c.9C>A, p.Ser3Arg (NM_001407021.1, NM_001407022.1, NM_001407023.1 and 2 more transcripts); short protein forms S3R.
Identifiers: ClinVar variation 5039620 (VCV005039620.1).

ClinVar aggregate classification (germline): Uncertain significance (1 of 4 stars; one submission).

Submission:

CeGaT Center for Human Genetics Tuebingen
Classification: Uncertain significance. Last evaluated: 2026-07-01. Review status: criteria provided, single submitter. Criteria: CeGaT Center For Human Genetics Tuebingen Variant Classification Criteria Version 2. Collection method: clinical testing. Allele origin: germline. Affected: yes. Observed: 1 variant allele.
Comment: PRKAG2: PM2